The following is an entry in ClinVar:

NM_005308.3(GRK5):c.546C>G (p.Thr182=)

Gene: GRK5 (G protein-coupled receptor kinase 5; plus strand). Cytogenetic location: 10q26.11.
Variant type: single nucleotide variant.
Coding change: c.546C>G on transcript NM_005308.3 (MANE Select); coding-DNA position 546, C replaced by G.
Protein change: p.Thr182=; no amino-acid change (threonine 182 retained).
Molecular consequence: synonymous variant.
Genome position (GRCh38, 1-based): chr10:119,430,387, C>G. VCF-style: chr10-119430387-C-G. GRCh37 (hg19) VCF-style: chr10-121189899-C-G.
Identifiers: ClinVar variation 3050818 (VCV003050818.2), dbSNP rs116686924, ClinGen allele CA5715282.
Genomic context (GRCh38, chr10:119,430,387, plus strand): 5'-CTGAGTCTTGGCACCATGAGACCAGTGTGGGATTCTTCTTTCTTCCAGGCAACCGGTGAC[C>G]AAAAACACTTTCAGGCAGTATCGAGTGCTAGGAAAAGGGGGCTTCGGGGAGGTGAGTGAA-3'
Protein context (NP_005299.1, residues 172-192): QWKWLERQPV[Thr182=]KNTFRQYRVL

ClinVar aggregate classification (germline): Likely benign (0 of 4 stars; one submission).

Conditions:
GRK5-related disorder. Also called: GRK5-related condition.

Allele frequency attached by ClinVar (database versions not stated): ExAC 0.00030; gnomAD 0.00092; 1000 Genomes Project 30x 0.00109; TOPMed 0.00115; 1000 Genomes Project 0.00140; ESP Exome Variant Server 0.00161.
gnomAD v4.1: 283 of 1,613,554 alleles (0.018%); highest among the groups gnomAD compares: African/African-American, 0.35%; no homozygotes.

Submission:

PreventionGenetics, part of Exact Sciences
Classification: Likely benign for GRK5-related condition. Last evaluated: 2021-10-07. Review status: no assertion criteria provided. Collection method: clinical testing. Allele origin: germline.
Comment: This variant is classified as likely benign based on ACMG/AMP sequence variant interpretation guidelines (Richards et al. 2015 PMID: 25741868, with internal and published modifications).